The following is an entry in ClinVar:

NC_000001.10:g.(?_94474287)_(94474447_?)del

Gene: ABCA4 (ATP binding cassette subfamily A member 4; minus strand). Cytogenetic location: 1p22.1.
Variant type: Deletion.
Identifiers: ClinVar variation 2422943 (VCV002422943.4).

ClinVar aggregate classification (germline): Pathogenic (1 of 4 stars; one submission).

Submission:

Labcorp Genetics (formerly Invitae), Labcorp
Classification: Pathogenic. Last evaluated: 2023-12-11. Review status: criteria provided, single submitter. Criteria: Invitae Variant Classification Sherloc (09022015). Collection method: clinical testing. Allele origin: germline.
Comment: This variant is a gross deletion of the genomic region encompassing exon(s) 41 of the ABCA4 gene. This deletion is out-of-frame, and is expected to create a premature termination codon and result in an absent or disrupted protein product. Loss-of-function variants in ABCA4 are known to be pathogenic (PMID: 10958761, 24938718, 25312043, 26780318). This variant has not been reported in the literature in individuals affected with ABCA4-related conditions. For these reasons, this variant has been classified as Pathogenic.

Literature cited by the submitters: PubMed 10958761; PubMed 24938718; PubMed 25312043; PubMed 26780318.